The following is an entry in ClinVar:

NM_012233.3(RAB3GAP1):c.826A>G (p.Ile276Val)

Gene: RAB3GAP1 (RAB3 GTPase activating protein catalytic subunit 1; plus strand). Cytogenetic location: 2q21.3.
Variant type: single nucleotide variant.
Coding change: c.826A>G on transcript NM_012233.3 (MANE Select); coding-DNA position 826, A replaced by G.
Protein change: p.Ile276Val; replaces isoleucine 276 with valine.
Molecular consequence: missense variant.
Genome position (GRCh38, 1-based): chr2:135,124,242, A>G. VCF-style: chr2-135124242-A-G. GRCh37 (hg19) VCF-style: chr2-135881812-A-G.
Other names: c.826A>G, p.Ile276Val (NM_001172435.2); c.826A>G (NM_012233.2); short protein forms I276V.
Identifiers: ClinVar variation 2042374 (VCV002042374.2), dbSNP rs150727606, ClinGen allele CA1884640.

ClinVar aggregate classification (germline): Uncertain significance. Review status: criteria provided, multiple submitters, no conflicts (2 of 4 stars). 2 submissions from 2 submitters: Uncertain significance (2). Last evaluated 2023-12-08.

Conditions:
Inborn genetic diseases. Identifiers: MedGen C0950123, MeSH D030342.

Allele frequency attached by ClinVar (database versions not stated): 1000 Genomes Project 30x 0.00047; 1000 Genomes Project 0.00060; ESP Exome Variant Server 0.00069.
gnomAD v4.1: 106 of 1,613,508 alleles (0.0066%); highest among the groups gnomAD compares: African/African-American, 0.11%; no homozygotes.

Submissions (2):

Ambry Genetics
Classification: Uncertain significance for Inborn genetic diseases. Last evaluated: 2023-12-08. Review status: criteria provided, single submitter. Criteria: Ambry Variant Classification Scheme 2023. Collection method: clinical testing. Allele origin: germline.

Labcorp Genetics (formerly Invitae), Labcorp
Classification: Uncertain significance. Last evaluated: 2022-05-25. Review status: criteria provided, single submitter. Criteria: Invitae Variant Classification Sherloc (09022015). Collection method: clinical testing. Allele origin: germline.
Comment: This sequence change replaces isoleucine, which is neutral and non-polar, with valine, which is neutral and non-polar, at codon 276 of the RAB3GAP1 protein (p.Ile276Val). This variant is present in population databases (rs150727606, gnomAD 0.1%). This variant has not been reported in the literature in individuals affected with RAB3GAP1-related conditions. Algorithms developed to predict the effect of missense changes on protein structure and function (SIFT, PolyPhen-2, Align-GVGD) all suggest that this variant is likely to be tolerated. In summary, the available evidence is currently insufficient to determine the role of this variant in disease. Therefore, it has been classified as a Variant of Uncertain Significance.